The following is an entry in ClinVar:

NM_006206.6(PDGFRA):c.1571A>T (p.Glu524Val)

Gene: PDGFRA (platelet derived growth factor receptor alpha; plus strand). Cytogenetic location: 4q12.
Variant type: single nucleotide variant.
Coding change: c.1571A>T on transcript NM_006206.6 (MANE Select); coding-DNA position 1571, A replaced by T.
Protein change: p.Glu524Val; replaces glutamic acid 524 with valine.
Molecular consequence: missense variant.
Genome position (GRCh38, 1-based): chr4:54,274,543, A>T. VCF-style: chr4-54274543-A-T. GRCh37 (hg19) VCF-style: chr4-55140710-A-T.
Other names: c.1571A>T, p.Glu524Val (NM_001347827.2, NM_001347829.2); c.1646A>T, p.Glu549Val (NM_001347828.2); c.1610A>T, p.Glu537Val (NM_001347830.2); short protein forms E524V, E537V, E549V.
Identifiers: ClinVar variation 2112799 (VCV002112799.4), dbSNP rs1723599957, ClinGen allele CA356892843.

ClinVar aggregate classification (germline): Uncertain significance (1 of 4 stars; one submission).

Conditions:
Gastrointestinal stromal tumor. Also called: Gastrointestinal stroma tumor; Gastrointestinal stromal tumor, somatic. Identifiers: Orphanet 44890, MedGen C0238198, MeSH D046152, MONDO:0011719, OMIM 606764, HP:0100723.

Allele frequency attached by ClinVar (database versions not stated): gnomAD 0.00001.
gnomAD v4.1: 1 of 1,613,288 alleles (0.000062%); highest among the groups gnomAD compares: South Asian, 0.0011%; no homozygotes.

Submission:

Labcorp Genetics (formerly Invitae), Labcorp
Classification: Uncertain significance for Gastrointestinal stromal tumor. Last evaluated: 2022-03-15. Review status: criteria provided, single submitter. Criteria: Invitae Variant Classification Sherloc (09022015). Collection method: clinical testing. Allele origin: germline.
Comment: In summary, the available evidence is currently insufficient to determine the role of this variant in disease. Therefore, it has been classified as a Variant of Uncertain Significance. Algorithms developed to predict the effect of missense changes on protein structure and function are either unavailable or do not agree on the potential impact of this missense change (SIFT: "Tolerated"; PolyPhen-2: "Possibly Damaging"; Align-GVGD: "Class C0"). This variant has not been reported in the literature in individuals affected with PDGFRA-related conditions. This variant is not present in population databases (gnomAD no frequency). This sequence change replaces glutamic acid, which is acidic and polar, with valine, which is neutral and non-polar, at codon 524 of the PDGFRA protein (p.Glu524Val).